The following is an entry in ClinVar:

NM_001303256.3(MORC2):c.2072T>C (p.Leu691Pro)

Gene: MORC2 (MORC family CW-type zinc finger 2; minus strand). Cytogenetic location: 22q12.2.
Variant type: single nucleotide variant.
Coding change: c.2072T>C on transcript NM_001303256.3 (MANE Select); coding-DNA position 2072, T replaced by C.
Protein change: p.Leu691Pro; replaces leucine 691 with proline.
Molecular consequence: missense variant.
Genome position (GRCh38, 1-based): chr22:30,934,902, A>G on the plus strand (T>C on the coding strand, the complement: MORC2 is on the minus strand). VCF-style: chr22-30934902-A-G. GRCh37 (hg19) VCF-style: chr22-31330889-A-G.
Other names: p.Leu691Pro; c.2072T>C (NM_001303256.2); c.2072T>C, p.Leu691Pro (NM_001303257.2); c.1886T>C, p.Leu629Pro (NM_014941.3); short protein forms L629P, L691P.
Identifiers: ClinVar variation 1350683 (VCV001350683.8), dbSNP rs142307145, ClinGen allele CA10186775.

ClinVar aggregate classification (germline): Conflicting classifications of pathogenicity. Review status: criteria provided, conflicting classifications (1 of 4 stars). 3 submissions from 3 submitters: Uncertain significance (2); Benign (1). Last evaluated 2025-11-12.

Conditions:
Charcot-Marie-Tooth disease axonal type 2Z. Also called: CHARCOT-MARIE-TOOTH DISEASE, AXONAL, AUTOSOMAL DOMINANT, TYPE 2Z; CHARCOT-MARIE-TOOTH NEUROPATHY, TYPE 2Z. Identifiers: Orphanet 466768, MedGen C5569025, MONDO:0014736, OMIM 616688.
MORC2-related disorder. Also called: MORC2-related condition.

Allele frequency attached by ClinVar (database versions not stated): ExAC 0.00001; gnomAD 0.00001; gnomAD exomes 0.00001; TOPMed 0.00001; ESP Exome Variant Server 0.00008.
gnomAD v4.1: 23 of 1,614,042 alleles (0.0014%); highest among the groups gnomAD compares: Non-Finnish European, 0.0019%; no homozygotes.

Submissions (3):

PreventionGenetics, part of Exact Sciences
Classification: Uncertain significance for MORC2-related condition. Last evaluated: 2025-11-12. Review status: criteria provided, single submitter. Criteria: ACMG Guidelines, 2015. Collection method: clinical testing. Allele origin: germline.
Comment: The MORC2 c.2072T>C variant is predicted to result in the amino acid substitution p.Leu691Pro. To our knowledge, this variant has not been reported in the literature. This variant is reported in 0.0040% of alleles in individuals of African descent in gnomAD. At this time, the clinical significance of this variant is uncertain due to the absence of conclusive functional and genetic evidence.

Mayo Clinic Laboratories, Mayo Clinic
Classification: Benign. Last evaluated: 2025-04-24. Review status: criteria provided, single submitter. Criteria: ACMG Guidelines, 2015. Collection method: clinical testing. Allele origin: germline. Observed: 1 variant allele.
Comment: BS1, BP4_strong

Labcorp Genetics (formerly Invitae), Labcorp
Classification: Uncertain significance for Charcot-Marie-Tooth disease axonal type 2Z. Last evaluated: 2024-11-04. Review status: criteria provided, single submitter. Criteria: Invitae Variant Classification Sherloc (09022015). Collection method: clinical testing. Allele origin: germline.
Comment: This sequence change replaces leucine, which is neutral and non-polar, with proline, which is neutral and non-polar, at codon 691 of the MORC2 protein (p.Leu691Pro). This variant is present in population databases (rs142307145, gnomAD 0.004%). This variant has not been reported in the literature in individuals affected with MORC2-related conditions. ClinVar contains an entry for this variant (Variation ID: 1350683). Invitae Evidence Modeling of protein sequence and biophysical properties (such as structural, functional, and spatial information, amino acid conservation, physicochemical variation, residue mobility, and thermodynamic stability) indicates that this missense variant is not expected to disrupt MORC2 protein function with a negative predictive value of 80%. In summary, the available evidence is currently insufficient to determine the role of this variant in disease. Therefore, it has been classified as a Variant of Uncertain Significance.